The following is an entry in ClinVar:

NM_001267550.2(TTN):c.107528T>C (p.Met35843Thr)

Genes: TTN (titin; minus strand), TTN-AS1 (TTN antisense RNA 1; plus strand). Cytogenetic location: 2q31.2.
Variant type: single nucleotide variant.
Coding change: c.107528T>C on transcript NM_001267550.2 (MANE Select); coding-DNA position 107528, T replaced by C.
Protein change: p.Met35843Thr; replaces methionine 35843 with threonine.
Molecular consequence: missense variant.
Genome position (GRCh38, 1-based): chr2:178,527,598, A>G on the plus strand (T>C on the coding strand, the complement: TTN is on the minus strand). VCF-style: chr2-178527598-A-G. GRCh37 (hg19) VCF-style: chr2-179392325-A-G.
Other names: c.80333T>C, p.Met26778Thr (NM_003319.4); c.99824T>C, p.Met33275Thr (NM_133378.4); c.80708T>C, p.Met26903Thr (NM_133432.3); c.80909T>C, p.Met26970Thr (NM_133437.4); c.102605T>C, p.Met34202Thr (NM_001256850.1); short protein forms M26778T, M26903T, M26970T, M33275T, M34202T, M35843T.
Identifiers: ClinVar variation 1058998 (VCV001058998.9), dbSNP rs760758096, ClinGen allele CA1984929.

ClinVar aggregate classification (germline): Uncertain significance. Review status: criteria provided, multiple submitters, no conflicts (2 of 4 stars). 2 submissions from 2 submitters: Uncertain significance (2). Last evaluated 2025-11-24.

Conditions:
Hypertrophic cardiomyopathy 9. Also called: Familial hypertrophic cardiomyopathy 9. Identifiers: MedGen C1861065, MONDO:0013412, OMIM 613765.
Tibial muscular dystrophy (TMD). Also called: UDD MYOPATHY; Udd Distal Myopathy – Tibial Muscular Dystrophy; Tibial muscular dystrophy, tardive. Identifiers: Orphanet 609, MedGen C1838244, MONDO:0010870, OMIM 600334.
Early-onset myopathy with fatal cardiomyopathy (CMYO5). Also called: Salih Myopathy; CONGENITAL MYOPATHY 5 WITH CARDIOMYOPATHY. Identifiers: Orphanet 289377, MedGen C2673677, MONDO:0012714, OMIM 611705. Disease mechanism: loss of function.
Myopathy, myofibrillar, 9, with early respiratory failure (MFM9). Also called: MYOPATHY, PROXIMAL, WITH EARLY RESPIRATORY MUSCLE INVOLVEMENT; Hereditary myopathy with early respiratory failure; EDSTROM MYOPATHY; Myopathy, distal, with early respiratory failure, autosomal dominant. Identifiers: Orphanet 178464, Orphanet 34521, MedGen C1863599, MONDO:0011362, OMIM 603689.
Dilated cardiomyopathy 1G (CMD1G). Identifiers: Orphanet 154, MedGen C1858763, MONDO:0011400, OMIM 604145.
Autosomal recessive limb-girdle muscular dystrophy type 2J (LGMDR10). Also called: Limb-girdle muscular dystrophy, type 2J; MUSCULAR DYSTROPHY, LIMB-GIRDLE, AUTOSOMAL RECESSIVE 10. Identifiers: Orphanet 140922, MedGen C1837342, MONDO:0012127, OMIM 608807.

Allele frequency attached by ClinVar (database versions not stated): TOPMed below 0.00001; ExAC 0.00001; gnomAD 0.00001; gnomAD exomes 0.00001 and below 0.00001.
gnomAD v4.1: 7 of 1,613,888 alleles (0.00043%); highest among the groups gnomAD compares: Admixed American, 0.0017%; no homozygotes.

Submissions (2):

Labcorp Genetics (formerly Invitae), Labcorp
Classification: Uncertain significance for Dilated cardiomyopathy 1G; Autosomal recessive limb-girdle muscular dystrophy type 2J. Last evaluated: 2025-11-24. Review status: criteria provided, single submitter. Criteria: Invitae Variant Classification Sherloc (09022015). Collection method: clinical testing. Allele origin: germline.
Comment: This sequence change replaces methionine, which is neutral and non-polar, with threonine, which is neutral and polar, at codon 35843 of the TTN protein (p.Met35843Thr). This variant is present in population databases (rs760758096, gnomAD 0.002%). This variant has not been reported in the literature in individuals affected with TTN-related conditions. ClinVar contains an entry for this variant (Variation ID: 1058998). Experimental studies and prediction algorithms are not available or were not evaluated, and the functional significance of this variant is currently unknown. This variant is located in the M band of TTN (PMID: 25589632). Non-truncating variants in this region may be relevant for neuromuscular disorders, but have not been definitively shown to cause cardiomyopathy (PMID: 23975875). In summary, the available evidence is currently insufficient to determine the role of this variant in disease. Therefore, it has been classified as a Variant of Uncertain Significance.

Fulgent Genetics
Classification: Uncertain significance for Tibial muscular dystrophy; Myopathy, myofibrillar, 9, with early respiratory failure; Dilated cardiomyopathy 1G; Autosomal recessive limb-girdle muscular dystrophy type 2J; Early-onset myopathy with fatal cardiomyopathy; Hypertrophic cardiomyopathy 9. Last evaluated: 2021-07-23. Review status: criteria provided, single submitter. Criteria: ACMG Guidelines, 2015. Collection method: clinical testing. Allele origin: unknown.

Literature cited by the submitters: PubMed 25589632 (cited by Labcorp Genetics (formerly Invitae), Labcorp); PubMed 23975875 (cited by Labcorp Genetics (formerly Invitae), Labcorp).